The following is an entry in ClinVar:

NM_005739.4(RASGRP1):c.389+15T>G

Gene: RASGRP1 (RAS guanyl releasing protein 1; minus strand). Cytogenetic location: 15q14.
Variant type: single nucleotide variant.
Coding change: c.389+15T>G on transcript NM_005739.4 (MANE Select); 15 bases into the intron after coding-DNA position 389, T replaced by G.
Molecular consequence: intron variant.
Genome position (GRCh38, 1-based): chr15:38,519,294, A>C on the plus strand (T>G on the coding strand, the complement: RASGRP1 is on the minus strand). VCF-style: chr15-38519294-A-C. GRCh37 (hg19) VCF-style: chr15-38811495-A-C.
Other names: c.389+15T>G (NM_001306086.2, NM_001128602.2).
Identifiers: ClinVar variation 1363628 (VCV001363628.4), dbSNP rs372162632, ClinGen allele CA268696911.

ClinVar aggregate classification (germline): Uncertain significance (1 of 4 stars; one submission).

gnomAD v4.1: 26 of 1,516,354 alleles (0.0017%); highest among the groups gnomAD compares: Non-Finnish European, 0.0022%; no homozygotes.

Submission:

Labcorp Genetics (formerly Invitae), Labcorp
Classification: Uncertain significance. Last evaluated: 2024-01-08. Review status: criteria provided, single submitter. Criteria: Invitae Variant Classification Sherloc (09022015). Collection method: clinical testing. Allele origin: germline.
Comment: This sequence change falls in intron 4 of the RASGRP1 gene. It does not directly change the encoded amino acid sequence of the RASGRP1 protein. This variant is present in population databases (no rsID available, gnomAD 0.002%). This variant has not been reported in the literature in individuals affected with RASGRP1-related conditions. ClinVar contains an entry for this variant (Variation ID: 1363628). Algorithms developed to predict the effect of sequence changes on RNA splicing suggest that this variant may disrupt the consensus splice site. In summary, the available evidence is currently insufficient to determine the role of this variant in disease. Therefore, it has been classified as a Variant of Uncertain Significance.